The following is an entry in ClinVar:

ClinVar aggregate classification (germline): Benign/Likely benign. Review status: criteria provided, multiple submitters, no conflicts (2 of 4 stars). 8 submissions from 8 submitters: Benign (1); Likely benign (6). 1 of the submissions does not count toward it. Last evaluated 2025-11-10.

Conditions:
Hereditary cancer-predisposing syndrome. Also called: Hereditary Cancer Syndrome; Hereditary neoplastic syndrome; Neoplastic Syndromes, Hereditary; Tumor predisposition. Identifiers: Orphanet 140162, MedGen C0027672, MeSH D009386, MONDO:0015356.
Familial adenomatous polyposis 1 (FAP1). Also called: FAMILIAL ADENOMATOUS POLYPOSIS 1, ATTENUATED; POLYPOSIS, ADENOMATOUS INTESTINAL. Identifiers: MedGen C2713442, MONDO:0021056, OMIM 175100. Disease mechanism: loss of function.

Allele frequency attached by ClinVar (database versions not stated): gnomAD exomes below 0.00001; TOPMed below 0.00001; gnomAD 0.00001.
gnomAD v4.1: 6 of 1,613,918 alleles (0.00037%); highest among the groups gnomAD compares: Non-Finnish European, 0.00051%; no homozygotes.

Submissions (8):

Labcorp Genetics (formerly Invitae), Labcorp
Classification: Likely benign for Familial adenomatous polyposis 1. Last evaluated: 2025-11-10. Review status: criteria provided, single submitter. Criteria: Invitae Variant Classification Sherloc (09022015). Collection method: clinical testing. Allele origin: germline.

Center for Genomic Medicine, Rigshospitalet, Copenhagen University Hospital
Classification: Likely benign. Last evaluated: 2025-03-04. Review status: criteria provided, single submitter. Criteria: ACMG Guidelines, 2015. Collection method: clinical testing. Allele origin: germline.

Quest Diagnostics Nichols Institute San Juan Capistrano
Classification: Likely benign. Last evaluated: 2023-03-08. Review status: criteria provided, single submitter. Criteria: Quest Diagnostics criteria. Collection method: clinical testing. Allele origin: unknown.

Myriad Genetics, Inc.
Classification: Benign for Familial adenomatous polyposis 1. Last evaluated: 2023-02-15. Review status: criteria provided, single submitter. Criteria: Myriad Autosomal Dominant, Autosomal Recessive and X-Linked Classification Criteria (2023). Collection method: clinical testing. Allele origin: unknown.
Comment: This variant is considered benign. This variant is a silent/synonymous amino acid change and it is not expected to impact splicing.

Color Diagnostics, LLC DBA Color Health
Classification: Likely benign for Hereditary cancer-predisposing syndrome. Last evaluated: 2022-11-06. Review status: criteria provided, single submitter. Criteria: ACMG Guidelines, 2015. Collection method: clinical testing. Allele origin: germline.

GeneDx
Classification: Likely benign. Last evaluated: 2016-07-18. Review status: criteria provided, single submitter. Criteria: GeneDx Variant Classification (06012015). Collection method: clinical testing. Allele origin: germline. Affected: yes.
Comment: This variant is considered likely benign or benign based on one or more of the following criteria: it is a conservative change, it occurs at a poorly conserved position in the protein, it is predicted to be benign by multiple in silico algorithms, and/or has population frequency not consistent with disease.

Ambry Genetics
Classification: Likely benign for Hereditary cancer-predisposing syndrome. Last evaluated: 2016-03-30. Review status: criteria provided, single submitter. Criteria: Ambry Variant Classification Scheme 2023. Collection method: clinical testing. Allele origin: germline.

Counsyl
Classification: Likely benign for Familial adenomatous polyposis 1. Last evaluated: 2018-05-08. Review status: no assertion criteria provided. Collection method: clinical testing. Allele origin: unknown. Not counted in ClinVar's aggregate classification.

NM_000038.6(APC):c.7533C>T (p.Leu2511=)

Gene: APC (APC regulator of Wnt signaling pathway; plus strand). Cytogenetic location: 5q22.2.
Variant type: single nucleotide variant.
Coding change: c.7533C>T on transcript NM_000038.6 (MANE Select); coding-DNA position 7533, C replaced by T.
Protein change: p.Leu2511=; no amino-acid change (leucine 2511 retained).
Molecular consequence: synonymous variant.
Genome position (GRCh38, 1-based): chr5:112,843,127, C>T. VCF-style: chr5-112843127-C-T. GRCh37 (hg19) VCF-style: chr5-112178824-C-T.
Other names: c.7533C>T, p.Leu2511= (NM_001354895.2, NM_001127510.3); c.7587C>T, p.Leu2529= (NM_001354896.2); c.7563C>T, p.Leu2521= (NM_001354897.2); c.7458C>T, p.Leu2486= (NM_001354898.2); c.7449C>T, p.Leu2483= (NM_001354899.2); c.7410C>T, p.Leu2470= (NM_001354900.2); c.7356C>T, p.Leu2452= (NM_001354901.2); c.7260C>T, p.Leu2420= (NM_001354902.2); and 5 more.
Identifiers: ClinVar variation 387943 (VCV000387943.21), dbSNP rs1057522957, ClinGen allele CA16604674.
Genomic context (GRCh38, chr5:112,843,127, plus strand): 5'-GTCTCTATCCACACATTCGTCTGTTCAGGCTGGTGGATGGCGAAAACTCCCACCTAATCT[C>T]AGTCCCACTATAGAGTATAATGATGGAAGACCAGCAAAGCGCCATGATATTGCACGGTCT-3'
Protein context (NP_000029.2, residues 2501-2521): AGGWRKLPPN[Leu2511=]SPTIEYNDGR